The following is an entry in ClinVar:

ClinVar aggregate classification (germline): Likely benign. Review status: criteria provided, multiple submitters, no conflicts (2 of 4 stars). 2 submissions from 2 submitters: Likely benign (2). Last evaluated 2025-02-12.

Allele frequency attached by ClinVar (database versions not stated): gnomAD exomes 0.00001; ExAC 0.00003.
gnomAD v4.1: 13 of 1,612,624 alleles (0.00081%); highest among the groups gnomAD compares: Non-Finnish European, 0.001%; no homozygotes.

Submissions (2):

Labcorp Genetics (formerly Invitae), Labcorp
Classification: Likely benign. Last evaluated: 2025-02-12. Review status: criteria provided, single submitter. Criteria: Invitae Variant Classification Sherloc (09022015). Collection method: clinical testing. Allele origin: germline.

CeGaT Center for Human Genetics Tuebingen
Classification: Likely benign. Last evaluated: 2022-09-01. Review status: criteria provided, single submitter. Criteria: CeGaT Center For Human Genetics Tuebingen Variant Classification Criteria Version 2. Collection method: clinical testing. Allele origin: germline. Affected: yes. Observed: 1 variant allele.
Comment: TRIM8: BP4

NM_030912.3(TRIM8):c.667-5C>T

Gene: TRIM8 (tripartite motif containing 8; plus strand). Cytogenetic location: 10q24.32.
Variant type: single nucleotide variant.
Coding change: c.667-5C>T on transcript NM_030912.3 (MANE Select); 5 bases into the intron before coding-DNA position 667, C replaced by T.
Molecular consequence: intron variant.
Genome position (GRCh38, 1-based): chr10:102,655,075, C>T. VCF-style: chr10-102655075-C-T. GRCh37 (hg19) VCF-style: chr10-104414832-C-T.
Other names: c.571-5C>T (NM_001345950.1).
Identifiers: ClinVar variation 2640795 (VCV002640795.27), dbSNP rs769868062, ClinGen allele CA5668147.
Genomic context (GRCh38, chr10:102,655,075, plus strand): 5'-AGGGGGGGAAACCAAAGGTTTCCAGTGCTTACCTGCCTGCCCACTCCTGCCCTCTGTACT[C>T]GCAGGAGAAAGTGAACCAACTGAAGGAGGAAGTTCGGCTGCAGTACGAGAAGCTGCACCA-3'